The following is an entry in ClinVar:

ClinVar aggregate classification (germline): Uncertain significance (1 of 4 stars; one submission).

Submission:

Labcorp Genetics (formerly Invitae), Labcorp
Classification: Uncertain significance. Last evaluated: 2022-09-01. Review status: criteria provided, single submitter. Criteria: Invitae Variant Classification Sherloc (09022015). Collection method: clinical testing. Allele origin: germline.
Comment: In summary, the available evidence is currently insufficient to determine the role of this variant in disease. Therefore, it has been classified as a Variant of Uncertain Significance. Algorithms developed to predict the effect of missense changes on protein structure and function are either unavailable or do not agree on the potential impact of this missense change (SIFT: "Deleterious"; PolyPhen-2: "Probably Damaging"; Align-GVGD: "Class C0"). This variant has not been reported in the literature in individuals affected with CAPN1-related conditions. This variant is not present in population databases (gnomAD no frequency). This sequence change replaces arginine, which is basic and polar, with leucine, which is neutral and non-polar, at codon 512 of the CAPN1 protein (p.Arg512Leu).

NM_005186.4(CAPN1):c.1535G>T (p.Arg512Leu)

Gene: CAPN1 (calpain 1; plus strand). Cytogenetic location: 11q13.1.
Variant type: single nucleotide variant.
Coding change: c.1535G>T on transcript NM_005186.4 (MANE Select); coding-DNA position 1535, G replaced by T.
Protein change: p.Arg512Leu; replaces arginine 512 with leucine.
Molecular consequence: missense variant. On other transcripts: non-coding transcript variant (1).
Genome position (GRCh38, 1-based): chr11:65,206,644, G>T. VCF-style: chr11-65206644-G-T. GRCh37 (hg19) VCF-style: chr11-64974115-G-T.
Other names: c.1535G>T, p.Arg512Leu (NM_001198868.2, NM_001198869.2); c.1373G>T, p.Arg458Leu (NM_001198870.1); short protein forms R512L, R458L.
Identifiers: ClinVar variation 2094053 (VCV002094053.4), dbSNP rs756980532, ClinGen allele CA381251989.